The following is an entry in ClinVar:

ClinVar aggregate classification (germline): Uncertain significance. Review status: criteria provided, multiple submitters, no conflicts (2 of 4 stars). 3 submissions from 3 submitters: Uncertain significance (3). Last evaluated 2026-04-30.

Conditions:
Autosomal recessive limb-girdle muscular dystrophy type 2J (LGMDR10). Also called: Limb-girdle muscular dystrophy, type 2J; MUSCULAR DYSTROPHY, LIMB-GIRDLE, AUTOSOMAL RECESSIVE 10. Identifiers: Orphanet 140922, MedGen C1837342, MONDO:0012127, OMIM 608807.
Dilated cardiomyopathy 1G (CMD1G). Identifiers: Orphanet 154, MedGen C1858763, MONDO:0011400, OMIM 604145.

Allele frequency attached by ClinVar (database versions not stated): ExAC 0.00001; gnomAD 0.00001; gnomAD exomes 0.00001; TOPMed 0.00001.
gnomAD v4.1: 11 of 1,609,954 alleles (0.00068%); highest among the groups gnomAD compares: Middle Eastern, 0.017%; no homozygotes.

Submissions (3):

GeneDx
Classification: Uncertain significance. Last evaluated: 2026-04-30. Review status: criteria provided, single submitter. Criteria: GeneDx Variant Classification Process June 2021. Collection method: clinical testing. Allele origin: germline.
Comment: Not observed at significant frequency in large population cohorts (gnomAD); Missense variant in a gene in which most reported pathogenic variants are truncating/loss of function; Has not been previously published as pathogenic or benign to our knowledge; This variant is associated with the following publications: (PMID: 30847666)

CeGaT Center for Human Genetics Tuebingen
Classification: Uncertain significance. Last evaluated: 2021-12-01. Review status: criteria provided, single submitter. Criteria: CeGaT Center For Human Genetics Tuebingen Variant Classification Criteria Version 2. Collection method: clinical testing. Allele origin: germline. Affected: yes. Observed: 1 variant allele.

Labcorp Genetics (formerly Invitae), Labcorp
Classification: Uncertain significance for Dilated cardiomyopathy 1G; Autosomal recessive limb-girdle muscular dystrophy type 2J. Last evaluated: 2016-12-23. Review status: criteria provided, single submitter. Criteria: Invitae Variant Classification Sherloc (09022015). Collection method: clinical testing. Allele origin: germline.

NM_001267550.2(TTN):c.20041G>A (p.Ala6681Thr)

Genes: TTN (titin; minus strand), LOC126806429 (BRD4-independent group 4 enhancer GRCh37_chr2:179591393-179592592; plus strand). Cytogenetic location: 2q31.2.
Variant type: single nucleotide variant.
Coding change: c.20041G>A on transcript NM_001267550.2 (MANE Select); coding-DNA position 20041, G replaced by A.
Protein change: p.Ala6681Thr; replaces alanine 6681 with threonine.
Molecular consequence: missense variant. On other transcripts: intron variant (3).
Genome position (GRCh38, 1-based): chr2:178,727,324, C>T on the plus strand (G>A on the coding strand, the complement: TTN is on the minus strand). VCF-style: chr2-178727324-C-T. GRCh37 (hg19) VCF-style: chr2-179592051-C-T.
Other names: c.19090G>A, p.Ala6364Thr (NM_001256850.1); c.16309G>A, p.Ala5437Thr (NM_133378.4); c.13282+10758G>A (NM_003319.4); c.13858+10758G>A (NM_133437.4); c.13657+10758G>A (NM_133432.3); c.20041G>A (NM_001267550.1); short protein forms A6681T, A6364T, A5437T.
Identifiers: ClinVar variation 405159 (VCV000405159.39), dbSNP rs779405672, ClinGen allele CA2001270.
Genomic context (GRCh38, chr2:178,727,324, plus strand): 5'-ACACAACTCTGATTTCTGGGGATCCAGCTATCTTGCATTCAAGTCGTGAAGAGTCACCTG[C>T]TTTCACAATTTTGGAGGCTTCTAATTTCTTTACAAACTTTGGTGGTTCTAAAGAGTCAGG-3'
Protein context (NP_001254479.2, residues 6671-6691): KKLEASKIVK[Ala6681Thr]GDSSRLECKI